The following is an entry in ClinVar:

ClinVar aggregate classification (germline): Uncertain significance (1 of 4 stars; one submission).

gnomAD v4.1: 2 of 1,614,038 alleles (0.00012%); highest among the groups gnomAD compares: East Asian, 0.0045%; no homozygotes.

Submission:

GeneDx
Classification: Uncertain significance. Last evaluated: 2023-02-02. Review status: criteria provided, single submitter. Criteria: GeneDx Variant Classification Process June 2021. Collection method: clinical testing. Allele origin: germline. Affected: yes.
Comment: Not observed at significant frequency in large population cohorts (gnomAD); In silico analysis supports that this missense variant does not alter protein structure/function; Has not been previously published as pathogenic or benign to our knowledge

NM_001371623.1(TCOF1):c.3796G>A (p.Ala1266Thr)

Gene: TCOF1 (treacle ribosome biogenesis factor 1; plus strand). Cytogenetic location: 5q32.
Variant type: single nucleotide variant.
Coding change: c.3796G>A on transcript NM_001371623.1 (MANE Select); coding-DNA position 3796, G replaced by A.
Protein change: p.Ala1266Thr; replaces alanine 1266 with threonine.
Molecular consequence: missense variant.
Genome position (GRCh38, 1-based): chr5:150,396,293, G>A. VCF-style: chr5-150396293-G-A. GRCh37 (hg19) VCF-style: chr5-149775856-G-A.
Other names: c.3562G>A, p.Ala1188Thr (NM_000356.4); c.3793G>A, p.Ala1265Thr (NM_001135243.2); c.3682G>A, p.Ala1228Thr (NM_001135244.2); c.3565G>A, p.Ala1189Thr (NM_001135245.2); c.3679G>A, p.Ala1227Thr (NM_001195141.2); short protein forms A1188T, A1189T, A1227T, A1228T, A1265T, A1266T.
Identifiers: ClinVar variation 2574836 (VCV002574836.1), dbSNP rs1768501447, ClinGen allele CA361740584.